The following is an entry in ClinVar:

ClinVar aggregate classification (germline): Uncertain significance (1 of 4 stars; one submission).

Submission:

GeneDx
Classification: Uncertain significance. Last evaluated: 2025-05-16. Review status: criteria provided, single submitter. Criteria: GeneDx Variant Classification Process June 2021. Collection method: clinical testing. Allele origin: germline. Affected: yes.
Comment: Not observed at significant frequency in large population cohorts (gnomAD); In silico analysis suggests that this missense variant does not alter protein structure/function; Has not been previously published as pathogenic or benign to our knowledge

NM_054027.6(ANKH):c.1082T>C (p.Phe361Ser)

Gene: ANKH (ANKH inorganic pyrophosphate transport regulator; minus strand). Cytogenetic location: 5p15.2.
Variant type: single nucleotide variant.
Coding change: c.1082T>C on transcript NM_054027.6 (MANE Select); coding-DNA position 1082, T replaced by C.
Protein change: p.Phe361Ser; replaces phenylalanine 361 with serine.
Molecular consequence: missense variant.
Genome position (GRCh38, 1-based): chr5:14,716,765, A>G on the plus strand (T>C on the coding strand, the complement: ANKH is on the minus strand). VCF-style: chr5-14716765-A-G. GRCh37 (hg19) VCF-style: chr5-14716874-A-G.
Other names: short protein forms F361S.
Identifiers: ClinVar variation 4530022 (VCV004530022.1).